The following is an entry in ClinVar:

ClinVar aggregate classification (germline): Uncertain significance (1 of 4 stars; one submission).

Submission:

GeneDx
Classification: Uncertain significance. Last evaluated: 2024-10-18. Review status: criteria provided, single submitter. Criteria: GeneDx Variant Classification Process June 2021. Collection method: clinical testing. Allele origin: germline. Affected: yes.
Comment: Not observed at significant frequency in large population cohorts (gnomAD); In silico analysis indicates that this missense variant does not alter protein structure/function; Has not been previously published as pathogenic or benign to our knowledge

NM_001393769.1(MED12L):c.154A>C (p.Thr52Pro)

Gene: MED12L (mediator complex subunit 12L; plus strand). Cytogenetic location: 3q25.1.
Variant type: single nucleotide variant.
Coding change: c.154A>C on transcript NM_001393769.1 (MANE Select); coding-DNA position 154, A replaced by C.
Protein change: p.Thr52Pro; replaces threonine 52 with proline.
Molecular consequence: missense variant.
Genome position (GRCh38, 1-based): chr3:151,116,392, A>C. VCF-style: chr3-151116392-A-C. GRCh37 (hg19) VCF-style: chr3-150834179-A-C.
Other names: c.154A>C, p.Thr52Pro (NM_053002.6); short protein forms T52P.
Identifiers: ClinVar variation 3781160 (VCV003781160.1).